The following is an entry in ClinVar:

NM_016204.4(GDF2):c.314C>T (p.Ala105Val)

Gene: GDF2 (growth differentiation factor 2; plus strand). Cytogenetic location: 10q11.22.
Variant type: single nucleotide variant.
Coding change: c.314C>T on transcript NM_016204.4 (MANE Select); coding-DNA position 314, C replaced by T.
Protein change: p.Ala105Val; replaces alanine 105 with valine.
Molecular consequence: missense variant.
Genome position (GRCh38, 1-based): chr10:47,322,982, C>T. VCF-style: chr10-47322982-C-T. GRCh37 (hg19) VCF-style: chr10-48416380-G-A.
Other names: c.314C>T (NM_016204.3, NM_016204.1); short protein forms A105V.
Identifiers: ClinVar variation 949473 (VCV000949473.11), dbSNP rs781829279, ClinGen allele CA5488164.

ClinVar aggregate classification (germline): Conflicting classifications of pathogenicity. Review status: criteria provided, conflicting classifications (1 of 4 stars). 3 submissions from 3 submitters: Uncertain significance (1); Likely benign (1). 1 of the submissions does not count toward it. Last evaluated 2025-07-06.

Conditions:
GDF2-related disorder. Also called: GDF2-related condition.
Cardiovascular phenotype. Identifiers: MedGen CN230736.
Telangiectasia, hereditary hemorrhagic, type 5 (HHT5). Identifiers: Orphanet 774, MedGen C3809710, MONDO:0014217, OMIM 615506.

Allele frequency attached by ClinVar (database versions not stated): ExAC 0.00003; TOPMed 0.00010.

Submissions (3):

Labcorp Genetics (formerly Invitae), Labcorp
Classification: Uncertain significance for Telangiectasia, hereditary hemorrhagic, type 5. Last evaluated: 2025-07-06. Review status: criteria provided, single submitter. Criteria: Invitae Variant Classification Sherloc (09022015). Collection method: clinical testing. Allele origin: germline.
Comment: This sequence change replaces alanine, which is neutral and non-polar, with valine, which is neutral and non-polar, at codon 105 of the GDF2 protein (p.Ala105Val). This variant is present in population databases (rs781829279, gnomAD 0.007%). This variant has not been reported in the literature in individuals affected with GDF2-related conditions. ClinVar contains an entry for this variant (Variation ID: 949473). Invitae Evidence Modeling of protein sequence and biophysical properties (such as structural, functional, and spatial information, amino acid conservation, physicochemical variation, residue mobility, and thermodynamic stability) indicates that this missense variant is not expected to disrupt GDF2 protein function with a negative predictive value of 80%. In summary, the available evidence is currently insufficient to determine the role of this variant in disease. Therefore, it has been classified as a Variant of Uncertain Significance.

Ambry Genetics
Classification: Likely benign for Cardiovascular phenotype. Last evaluated: 2025-05-01. Review status: criteria provided, single submitter. Criteria: Ambry Variant Classification Scheme 2023. Collection method: clinical testing. Allele origin: germline.

PreventionGenetics, part of Exact Sciences
Classification: Uncertain significance for GDF2-related condition. Last evaluated: 2024-06-10. Review status: no assertion criteria provided. Collection method: clinical testing. Allele origin: germline. Not counted in ClinVar's aggregate classification.
Comment: The GDF2 c.314C>T variant is predicted to result in the amino acid substitution p.Ala105Val. To our knowledge, this variant has not been reported in the literature. This variant is reported in 0.0062% of alleles in individuals of African descent in gnomAD. At this time, the clinical significance of this variant is uncertain due to the absence of conclusive functional and genetic evidence.